The following is an entry in ClinVar:

ClinVar aggregate classification (germline): Conflicting classifications of pathogenicity. Review status: criteria provided, conflicting classifications (1 of 4 stars). 5 submissions from 5 submitters: Uncertain significance (3); Likely benign (1). 1 of the submissions does not count toward it. Last evaluated 2026-06-16.

Conditions:
MYO7A-related disorder. Also called: MYO7A-related disorders.
Usher syndrome type 1B (USH1B). Also called: Usher syndrome type IB. Identifiers: MedGen C1848638, MONDO:0700087.

gnomAD v4.1: 35 of 1,609,604 alleles (0.0022%); highest among the groups gnomAD compares: Admixed American, 0.059%; no homozygotes.

Submissions (5):

PreventionGenetics, part of Exact Sciences
Classification: Uncertain significance for MYO7A-related condition. Last evaluated: 2026-06-16. Review status: criteria provided, single submitter. Criteria: ACMG Guidelines, 2015. Collection method: clinical testing. Allele origin: germline.
Comment: The MYO7A c.5860C>G variant is predicted to result in the amino acid substitution p.Leu1954Val. To our knowledge, this variant has not been reported in the literature. This variant is reported in 0.092% of alleles in individuals of Latino descent in gnomAD, which may be too frequent to be a primary cause of disease. Although we suspect that this variant may be benign, at this time, the clinical significance of this variant is uncertain due to the absence of conclusive functional and genetic evidence.

Labcorp Genetics (formerly Invitae), Labcorp
Classification: Likely benign. Last evaluated: 2025-12-22. Review status: criteria provided, single submitter. Criteria: Invitae Variant Classification Sherloc (09022015). Collection method: clinical testing. Allele origin: germline.

GeneDx
Classification: Uncertain significance. Last evaluated: 2023-07-18. Review status: criteria provided, single submitter. Criteria: GeneDx Variant Classification Process June 2021. Collection method: clinical testing. Allele origin: germline. Affected: yes.
Comment: In silico analysis supports that this missense variant does not alter protein structure/function; Has not been previously published as pathogenic or benign to our knowledge

Eurofins Ntd Llc (ga)
Classification: Uncertain significance. Last evaluated: 2015-08-10. Review status: criteria provided, single submitter. Criteria: EGL Classification Definitions 2015. Collection method: clinical testing. Allele origin: germline. Observed: 1 variant allele, 1 heterozygote.

Natera, Inc.
Classification: Uncertain significance for Usher syndrome type 1B. Last evaluated: 2020-04-17. Review status: no assertion criteria provided. Collection method: clinical testing. Allele origin: germline. Not counted in ClinVar's aggregate classification.

NM_000260.4(MYO7A):c.5860C>G (p.Leu1954Val)

Gene: MYO7A (myosin VIIA; plus strand). Cytogenetic location: 11q13.5.
Variant type: single nucleotide variant.
Coding change: c.5860C>G on transcript NM_000260.4 (MANE Select); coding-DNA position 5860, C replaced by G.
Protein change: p.Leu1954Val; replaces leucine 1954 with valine.
Molecular consequence: missense variant.
Genome position (GRCh38, 1-based): chr11:77,208,433, C>G. VCF-style: chr11-77208433-C-G. GRCh37 (hg19) VCF-style: chr11-76919478-C-G.
Other names: c.5746C>G, p.Leu1916Val (NM_001127180.2); c.5713C>G, p.Leu1905Val (NM_001369365.1); short protein forms L1954V, L1905V, L1916V.
Identifiers: ClinVar variation 282113 (VCV000282113.19), dbSNP rs948962, ClinGen allele CA6198859.